The following is an entry in ClinVar:

NM_003888.4(ALDH1A2):c.453A>G (p.Ala151=)

Gene: ALDH1A2 (aldehyde dehydrogenase 1 family member A2; minus strand). Cytogenetic location: 15q21.3.
Variant type: single nucleotide variant.
Coding change: c.453A>G on transcript NM_003888.4 (MANE Select); coding-DNA position 453, A replaced by G.
Protein change: p.Ala151=; no amino-acid change (alanine 151 retained).
Molecular consequence: synonymous variant.
Genome position (GRCh38, 1-based): chr15:58,010,689, T>C on the plus strand (A>G on the coding strand, the complement: ALDH1A2 is on the minus strand). VCF-style: chr15-58010689-T-C. GRCh37 (hg19) VCF-style: chr15-58302887-T-C.
Other names: c.390A>G, p.Ala130= (NM_001206897.2); c.453A>G, p.Ala151= (NM_170696.3); c.165A>G, p.Ala55= (NM_170697.3).
Identifiers: ClinVar variation 788449 (VCV000788449.7), dbSNP rs16939660, ClinGen allele CA7584087.

ClinVar aggregate classification (germline): Benign. Review status: criteria provided, multiple submitters, no conflicts (2 of 4 stars). 3 submissions from 3 submitters: Benign (2). 1 of the submissions does not count toward it. Last evaluated 2019-12-31.

Conditions:
ALDH1A2-related disorder. Also called: ALDH1A2-related condition.

Allele frequency attached by ClinVar (database versions not stated): gnomAD exomes 0.00806 and 0.00835; ExAC 0.00932; 1000 Genomes Project 0.01098; 1000 Genomes Project 30x 0.01109; gnomAD 0.01423 and 0.01505; ESP Exome Variant Server 0.01527; TOPMed 0.01601.
gnomAD v4.1: 13,984 of 1,613,522 alleles (0.87%); highest among the groups gnomAD compares: African/African-American, 3.3%; 105 homozygotes.

Submissions (3):

Labcorp Genetics (formerly Invitae), Labcorp
Classification: Benign. Last evaluated: 2019-12-31. Review status: criteria provided, single submitter. Criteria: Invitae Variant Classification Sherloc (09022015). Collection method: clinical testing. Allele origin: germline.

Breakthrough Genomics
Classification: Benign. Review status: criteria provided, single submitter. Criteria: ACMG Guidelines, 2015. Collection method: not provided. Allele origin: germline. Inheritance: Autosomal recessive inheritance. Affected: yes.

PreventionGenetics, part of Exact Sciences
Classification: Likely benign for ALDH1A2-related condition. Last evaluated: 2019-03-06. Review status: no assertion criteria provided. Collection method: clinical testing. Allele origin: germline. Not counted in ClinVar's aggregate classification.
Comment: This variant is classified as likely benign based on ACMG/AMP sequence variant interpretation guidelines (Richards et al. 2015 PMID: 25741868, with internal and published modifications).